The following is an entry in ClinVar:

ClinVar aggregate classification (germline): Pathogenic. Review status: criteria provided, multiple submitters, no conflicts (2 of 4 stars). 2 submissions from 2 submitters: Pathogenic (2). Last evaluated 2024-05-08.

Conditions:
Cockayne syndrome type 1. Also called: Cockayne syndrome type I; Cockayne syndrome classical; Cockayne syndrome classic form. Identifiers: Orphanet 191, Orphanet 90321, MedGen C0751039, MONDO:0019569, OMIM 216400.

Submissions (2):

Myriad Genetics, Inc.
Classification: Pathogenic for Cockayne syndrome type 1. Last evaluated: 2024-05-08. Review status: criteria provided, single submitter. Criteria: Myriad Autosomal Dominant, Autosomal Recessive and X-Linked Classification Criteria (2023). Collection method: clinical testing. Allele origin: unknown.
Comment: NM_000082.3(ERCC8):c.356C>A(S119*) is expected to be pathogenic in the context of ERCC8-related disorders. This variant is predicted to lead to an abnormal or absent protein product due to the creation of a premature termination codon in ERCC8, a gene where loss-of-function variants are known to be pathogenic. Please note: this variant was assessed in the context of healthy population screening.

Labcorp Genetics (formerly Invitae), Labcorp
Classification: Pathogenic. Last evaluated: 2020-10-08. Review status: criteria provided, single submitter. Criteria: Invitae Variant Classification Sherloc (09022015). Collection method: clinical testing. Allele origin: germline.
Comment: For these reasons, this variant has been classified as Pathogenic. Loss-of-function variants in ERCC8 are known to be pathogenic (PMID: 29572252). This variant has been observed in individual(s) with ERCC8-related conditions (PMID: 29422660). This variant is not present in population databases (ExAC no frequency). This sequence change creates a premature translational stop signal (p.Ser119*) in the ERCC8 gene. It is expected to result in an absent or disrupted protein product.

Literature cited by the submitters: PubMed 29572252 (cited by Labcorp Genetics (formerly Invitae), Labcorp); PubMed 29422660 (cited by Labcorp Genetics (formerly Invitae), Labcorp).

NM_000082.4(ERCC8):c.356C>A (p.Ser119Ter)

Genes: ERCC8 (ERCC excision repair 8, CSA ubiquitin ligase complex subunit; minus strand), ERCC8-AS1 (ERCC8 antisense RNA 1; plus strand). Cytogenetic location: 5q12.1.
Variant type: single nucleotide variant.
Coding change: c.356C>A on transcript NM_000082.4 (MANE Select); coding-DNA position 356, C replaced by A.
Protein change: p.Ser119Ter; replaces serine 119 with a stop codon.
Molecular consequence: nonsense. On other transcripts: 5 prime UTR variant (1).
Genome position (GRCh38, 1-based): chr5:60,918,308, G>T on the plus strand (C>A on the coding strand, the complement: ERCC8 is on the minus strand). VCF-style: chr5-60918308-G-T. GRCh37 (hg19) VCF-style: chr5-60214135-G-T.
Other names: c.182C>A, p.Ser61Ter (NM_001007233.3); c.356C>A, p.Ser119Ter (NM_001007234.3); c.-22C>A (NM_001290285.2); short protein forms S119*, S61*.
Identifiers: ClinVar variation 1069323 (VCV001069323.10), dbSNP rs2112516716, ClinGen allele CA359827913.